The following is an entry in ClinVar:

ClinVar aggregate classification (germline): Likely benign. Review status: criteria provided, multiple submitters, no conflicts (2 of 4 stars). 2 submissions from 2 submitters: Likely benign (2). Last evaluated 2025-02-19.

Conditions:
Fanconi anemia complementation group O. Also called: RAD51C-Related Fanconi Anemia. Identifiers: Orphanet 84, MedGen C3150653, MONDO:0013248, OMIM 613390.
Breast-ovarian cancer, familial, susceptibility to, 3. Also called: RAD51C-Related Breast/Ovarian Cancer. Identifiers: Orphanet 145, MedGen C3150659, MONDO:0013253, OMIM 613399.

Allele frequency attached by ClinVar (database versions not stated): ExAC 0.00001; gnomAD 0.00001; gnomAD exomes below 0.00001; TOPMed below 0.00001; ESP Exome Variant Server 0.00008.
gnomAD v4.1: 1 of 1,592,612 alleles (0.000063%); highest among the groups gnomAD compares: Non-Finnish European, 0.000086%; no homozygotes.

Submissions (2):

Myriad Genetics, Inc.
Classification: Likely benign for Breast-ovarian cancer, familial, susceptibility to, 3. Last evaluated: 2025-02-19. Review status: criteria provided, single submitter. Criteria: Myriad Autosomal Dominant, Autosomal Recessive and X-Linked Classification Criteria (2023). Collection method: clinical testing. Allele origin: unknown.
Comment: This variant is considered likely benign. This variant is intronic and is not expected to impact mRNA splicing.

Labcorp Genetics (formerly Invitae), Labcorp
Classification: Likely benign for Fanconi anemia complementation group O. Last evaluated: 2022-07-25. Review status: criteria provided, single submitter. Criteria: Invitae Variant Classification Sherloc (09022015). Collection method: clinical testing. Allele origin: germline.

NM_058216.3(RAD51C):c.838-16C>T

Gene: RAD51C (RAD51 paralog C; plus strand). Cytogenetic location: 17q22.
Variant type: single nucleotide variant.
Coding change: c.838-16C>T on transcript NM_058216.3 (MANE Select); 16 bases into the intron before coding-DNA position 838, C replaced by T.
Molecular consequence: intron variant.
Genome position (GRCh38, 1-based): chr17:58,720,730, C>T. VCF-style: chr17-58720730-C-T. GRCh37 (hg19) VCF-style: chr17-56798091-C-T.
Identifiers: ClinVar variation 1595186 (VCV001595186.9), dbSNP rs374620446, ClinGen allele CA8677341.
Genomic context (GRCh38, chr17:58,720,730, plus strand): 5'-ACAATCTTGGCCAGACTGGTCTACTTGATAATTTTCAAAGAGACTCACCTAATTTTCTTA[C>T]ATTTTGTTTTTGTAGGTAATTTTAACCAATCAGATGACAACAAAGATTGATAGAAATCAG-3'